The following is an entry in ClinVar:

NM_001374736.1(DST):c.16306A>C (p.Met5436Leu)

Gene: DST (dystonin; minus strand). Cytogenetic location: 6p12.1.
Variant type: single nucleotide variant.
Coding change: c.16306A>C on transcript NM_001374736.1 (MANE Select); coding-DNA position 16306, A replaced by C.
Protein change: p.Met5436Leu; replaces methionine 5436 with leucine.
Molecular consequence: missense variant.
Genome position (GRCh38, 1-based): chr6:56,552,486, T>G on the plus strand (A>C on the coding strand, the complement: DST is on the minus strand). VCF-style: chr6-56552486-T-G. GRCh37 (hg19) VCF-style: chr6-56417284-T-G.
Other names: c.9949A>C, p.Met3317Leu (NM_001144769.5); c.9535A>C, p.Met3179Leu (NM_001144770.2); c.16306A>C, p.Met5436Leu (NM_001374722.1); c.15673A>C, p.Met5225Leu (NM_001374729.1); c.9415A>C, p.Met3139Leu (NM_001374730.1, NM_001386100.1, NM_183380.4); c.16333A>C, p.Met5445Leu (NM_001374734.1); c.8437A>C, p.Met2813Leu (NM_015548.5); short protein forms M2813L, M5225L, M5445L, M3179L, M3317L, M3139L, M5436L.
Identifiers: ClinVar variation 1491352 (VCV001491352.6), dbSNP rs752459155, ClinGen allele CA364513902.
Genomic context (GRCh38, chr6:56,552,486, plus strand): 5'-AGGTTTCTTCTGTGGCTAACATCATCTTGCAGGTTTTATTGGCATTGTCATTGCTTGCCA[T>G]GAGGGCTTCTAGTTTCTTTAGAAAGGCTTTTATAGTTTCCTTTTGCTTTTGCAATGTTTC-3'
Protein context (NP_001361665.1, residues 5426-5446): KAFLKKLEAL[Met5436Leu]ASNDNANKTC

ClinVar aggregate classification (germline): Uncertain significance (1 of 4 stars; one submission).

Conditions:
Epidermolysis bullosa simplex 3, localized or generalized intermediate, with BP230 deficiency (EBS3). Also called: Epidermolysis bullosa simplex, autosomal recessive 2; Epidermolysis bullosa simplex due to BP230 deficiency. Identifiers: Orphanet 412181, MedGen C3809470, MONDO:0014180, OMIM 615425.
Hereditary sensory and autonomic neuropathy type 6. Also called: Neuropathy, hereditary sensory and autonomic, type VI; HSAN VI. Identifiers: Orphanet 314381, MedGen C3539003, MONDO:0013839, OMIM 614653.

Submission:

Labcorp Genetics (formerly Invitae), Labcorp
Classification: Uncertain significance for Epidermolysis bullosa simplex 3, localized or generalized intermediate, with BP230 deficiency; Hereditary sensory and autonomic neuropathy type 6. Last evaluated: 2021-07-09. Review status: criteria provided, single submitter. Criteria: Invitae Variant Classification Sherloc (09022015). Collection method: clinical testing. Allele origin: germline.
Comment: This variant has not been reported in the literature in individuals affected with DST-related conditions. This sequence change replaces methionine with leucine at codon 2813 of the DST protein (p.Met2813Leu). The DST gene has multiple clinically relevant transcripts. This variant occurs in alternate transcript NM_015548.4, and corresponds to NM_001723.5:c.*63031A>C in the primary transcript. This variant is not present in population databases (ExAC no frequency). Experimental studies and prediction algorithms are not available or were not evaluated, and the functional significance of this variant is currently unknown. In summary, the available evidence is currently insufficient to determine the role of this variant in disease. Therefore, it has been classified as a Variant of Uncertain Significance.